The following is an entry in ClinVar:

ClinVar aggregate classification (germline): Uncertain significance. Review status: criteria provided, multiple submitters, no conflicts (2 of 4 stars). 2 submissions from 2 submitters: Uncertain significance (2). Last evaluated 2025-01-07.

Allele frequency attached by ClinVar (database versions not stated): gnomAD exomes below 0.00001; TOPMed below 0.00001.
gnomAD v4.1: 7 of 1,613,826 alleles (0.00043%); highest among the groups gnomAD compares: East Asian, 0.0022%; no homozygotes.

Submissions (2):

GeneDx
Classification: Uncertain significance. Last evaluated: 2025-01-07. Review status: criteria provided, single submitter. Criteria: GeneDx Variant Classification Process June 2021. Collection method: clinical testing. Allele origin: germline. Affected: yes.
Comment: In silico analysis indicates that this missense variant does not alter protein structure/function; Has not been previously published as pathogenic or benign to our knowledge

Labcorp Genetics (formerly Invitae), Labcorp
Classification: Uncertain significance. Last evaluated: 2023-12-15. Review status: criteria provided, single submitter. Criteria: Invitae Variant Classification Sherloc (09022015). Collection method: clinical testing. Allele origin: germline.
Comment: This sequence change replaces alanine, which is neutral and non-polar, with valine, which is neutral and non-polar, at codon 263 of the COL4A2 protein (p.Ala263Val). This variant is present in population databases (no rsID available, gnomAD 0.0009%). This variant has not been reported in the literature in individuals affected with COL4A2-related conditions. Advanced modeling of protein sequence and biophysical properties (such as structural, functional, and spatial information, amino acid conservation, physicochemical variation, residue mobility, and thermodynamic stability) performed at Invitae indicates that this missense variant is not expected to disrupt COL4A2 protein function with a negative predictive value of 95%. In summary, the available evidence is currently insufficient to determine the role of this variant in disease. Therefore, it has been classified as a Variant of Uncertain Significance.

NM_001846.4(COL4A2):c.788C>T (p.Ala263Val)

Gene: COL4A2 (collagen type IV alpha 2 chain; plus strand). Cytogenetic location: 13q34.
Variant type: single nucleotide variant.
Coding change: c.788C>T on transcript NM_001846.4 (MANE Select); coding-DNA position 788, C replaced by T.
Protein change: p.Ala263Val; replaces alanine 263 with valine.
Molecular consequence: missense variant.
Genome position (GRCh38, 1-based): chr13:110,436,330, C>T. VCF-style: chr13-110436330-C-T. GRCh37 (hg19) VCF-style: chr13-111088677-C-T.
Other names: c.788C>T (NM_001846.2); short protein forms A263V.
Identifiers: ClinVar variation 2803490 (VCV002803490.4), dbSNP rs1447552664, ClinGen allele CA388731404.